The following is an entry in ClinVar:

NM_001271.4(CHD2):c.3491A>G (p.Asp1164Gly)

Gene: CHD2 (chromodomain helicase DNA binding protein 2; plus strand). Cytogenetic location: 15q26.1.
Variant type: single nucleotide variant.
Coding change: c.3491A>G on transcript NM_001271.4 (MANE Select); coding-DNA position 3491, A replaced by G.
Protein change: p.Asp1164Gly; replaces aspartic acid 1164 with glycine.
Molecular consequence: missense variant.
Genome position (GRCh38, 1-based): chr15:92,992,894, A>G. VCF-style: chr15-92992894-A-G. GRCh37 (hg19) VCF-style: chr15-93536124-A-G.
Other names: c.3491A>G (NM_001271.3); short protein forms D1164G.
Identifiers: ClinVar variation 2095878 (VCV002095878.5), dbSNP rs2505580525, ClinGen allele CA393896593.
Genomic context (GRCh38, chr15:92,992,894, plus strand): 5'-TGTCCCCATATTTGTTCCTCCTCAGGCTGGAGTGCATAGCACGTGATGCTGAGCTGGTAG[A>G]TAAGTCGGTGGCAGATCTGAAGCGCCTGGGTGAACTGATCCACAACAGCTGTGTGTCAGC-3'
Protein context (NP_001262.3, residues 1154-1174): ECIARDAELV[Asp1164Gly]KSVADLKRLG

ClinVar aggregate classification (germline): Conflicting classifications of pathogenicity. Review status: criteria provided, conflicting classifications (1 of 4 stars). 2 submissions from 2 submitters: Likely pathogenic (1); Uncertain significance (1). Last evaluated 2024-03-10.

Conditions:
Developmental and epileptic encephalopathy 94 (DEE94). Also called: Epileptic encephalopathy, childhood-onset; CHD2-Related Neurodevelopmental Disorders. Identifiers: Orphanet 1942, Orphanet 2382, MedGen C3809278, MONDO:0014150, OMIM 615369.

Allele frequency attached by ClinVar (database versions not stated): gnomAD exomes below 0.00001.
gnomAD v4.1: 2 of 1,614,060 alleles (0.00012%); highest among the groups gnomAD compares: South Asian, 0.0011%; no homozygotes.

Submissions (2):

GeneDx
Classification: Uncertain significance. Last evaluated: 2024-03-10. Review status: criteria provided, single submitter. Criteria: GeneDx Variant Classification Process June 2021. Collection method: clinical testing. Allele origin: germline. Affected: yes.
Comment: Not observed at significant frequency in large population cohorts (gnomAD); In silico analysis supports that this missense variant has a deleterious effect on protein structure/function; Has not been previously published as pathogenic or benign to our knowledge

Labcorp Genetics (formerly Invitae), Labcorp
Classification: Likely pathogenic for Developmental and epileptic encephalopathy 94. Last evaluated: 2022-03-21. Review status: criteria provided, single submitter. Criteria: Invitae Variant Classification Sherloc (09022015). Collection method: clinical testing. Allele origin: germline.
Comment: Algorithms developed to predict the effect of sequence changes on RNA splicing suggest that this variant may create or strengthen a splice site. In summary, the currently available evidence indicates that the variant is pathogenic, but additional data are needed to prove that conclusively. Therefore, this variant has been classified as Likely Pathogenic. Advanced modeling of protein sequence and biophysical properties (such as structural, functional, and spatial information, amino acid conservation, physicochemical variation, residue mobility, and thermodynamic stability) performed at Invitae indicates that this missense variant is not expected to disrupt CHD2 protein function. This sequence change replaces aspartic acid, which is acidic and polar, with glycine, which is neutral and non-polar, at codon 1164 of the CHD2 protein (p.Asp1164Gly). This variant is not present in population databases (gnomAD no frequency). This missense change has been observed in individual(s) with clinical features of childhood-onset epileptic encephalopathy (Invitae). In at least one individual the variant was observed to be de novo.